The following is an entry in ClinVar:

NM_000821.7(GGCX):c.*3875C>T

Gene: GGCX (gamma-glutamyl carboxylase; minus strand). Cytogenetic location: 2p11.2.
Variant type: single nucleotide variant.
Coding change: c.*3875C>T on transcript NM_000821.7 (MANE Select); 3875 bases downstream of the stop codon, C replaced by T.
Molecular consequence: 3 prime UTR variant.
Genome position (GRCh38, 1-based): chr2:85,546,059, G>A on the plus strand (C>T on the coding strand, the complement: GGCX is on the minus strand). VCF-style: chr2-85546059-G-A. GRCh37 (hg19) VCF-style: chr2-85773182-G-A.
Other names: c.*3875C>T (NM_001142269.4).
Identifiers: ClinVar variation 337188 (VCV000337188.5), dbSNP rs58540395, ClinGen allele CA10614020.

ClinVar aggregate classification (germline): Benign (1 of 4 stars; one submission).

Conditions:
Vitamin K-dependent clotting factors, combined deficiency of, type 1. Also called: FACTORS II, VII, IX, AND X, COMBINED DEFICIENCY OF; FAMILIAL MULTIPLE COAGULATION FACTOR DEFICIENCY III; FMFD III; GLUTAMIC ACID, DEFICIENT GAMMA-CARBOXYLATION OF; MULTIPLE COAGULATION FACTOR DEFICIENCY III; VITAMIN K-DEPENDENT COAGULATION DEFECT. Identifiers: Orphanet 98434, MedGen C1848534, MONDO:0010187, OMIM 277450.

Allele frequency attached by ClinVar (database versions not stated): 1000 Genomes Project 0.02616; gnomAD 0.02756 and 0.02955; 1000 Genomes Project 30x 0.02826; TOPMed 0.03103.

Submission:

Illumina Laboratory Services, Illumina
Classification: Benign for Vitamin K-dependent clotting factors, combined deficiency of, type 1. Last evaluated: 2018-01-12. Review status: criteria provided, single submitter. Criteria: ICSL Variant Classification Criteria 13 December 2019. Collection method: clinical testing. Allele origin: germline.
Comment: This variant was observed in the ICSL laboratory as part of a predisposition screen in an ostensibly healthy population. It had not been previously curated by ICSL or reported in the Human Gene Mutation Database (HGMD: prior to June 1st, 2018), and was therefore a candidate for classification through an automated scoring system. Utilizing variant allele frequency, disease prevalence and penetrance estimates, and inheritance mode, an automated score was calculated to assess if this variant is too frequent to cause the disease. Based on the score and internal cut-off values, a variant classified as benign is not then subjected to further curation. The score for this variant resulted in a classification of benign for this disease.